The following is an entry in ClinVar:

ClinVar aggregate classification (germline): Uncertain significance (1 of 4 stars; one submission).

Submission:

Labcorp Genetics (formerly Invitae), Labcorp
Classification: Uncertain significance. Last evaluated: 2023-08-05. Review status: criteria provided, single submitter. Criteria: Invitae Variant Classification Sherloc (09022015). Collection method: clinical testing. Allele origin: germline.
Comment: This variant, c.3402_3413del, results in the deletion of 4 amino acid(s) of the SON protein (p.Ser1135_Asp1138del), but otherwise preserves the integrity of the reading frame. This variant is present in population databases (rs759460939, gnomAD 0.0009%). This variant has not been reported in the literature in individuals affected with SON-related conditions. Experimental studies and prediction algorithms are not available or were not evaluated, and the functional significance of this variant is currently unknown. In summary, the available evidence is currently insufficient to determine the role of this variant in disease. Therefore, it has been classified as a Variant of Uncertain Significance.

NM_138927.4(SON):c.3402_3413del (p.1131SYTD[1])

Gene: SON (SON DNA and RNA binding protein; plus strand). Cytogenetic location: 21q22.11.
Variant type: Deletion.
Coding change: c.3402_3413del on transcript NM_138927.4 (MANE Select); coding-DNA positions 3402 to 3413, 12 bases deleted (TTCTTACACTGA).
Protein change: p.1131SYTD[1].
Molecular consequence: inframe deletion. On other transcripts: inframe indel (3), non-coding transcript variant (1), intron variant (1).
Genome position (GRCh38, 1-based): chr21:33,552,633-33,552,644, TTCTTACACTGA deleted; deleting any 12 consecutive bases within chr21:33,552,631-33,552,644 gives the same sequence; the c. name uses the placement nearest the transcript's 3' end. VCF-style (leftmost placement, unchanged base first): chr21-33552630-CGATTCTTACACT-C. GRCh37 (hg19) VCF-style: chr21-34924936-CGATTCTTACACT-C.
Other names: c.3402_3413del, p.1131SYTD[1] (NM_001291411.2, NM_032195.3); c.3402_3413delTTCTTACACTGA, p.Ser1135_Asp1138del (NM_001412133.1, NM_058183.2, NM_138926.1); c.245-4523_245-4512del (NM_001291412.3).
Identifiers: ClinVar variation 2749833 (VCV002749833.3), dbSNP rs759460939, ClinGen allele CA10009288.
Genomic context (GRCh38, chr21:33,552,630, plus strand): 5'-TATGATGTCATCTTATACTGCTGATCGTTCAATGATGTCTATGGCTGCTGATTCTTACAC[CGATTCTTACACT>C]GACACATATACAGAGGCATATATGGTGCCACCTTTGCCTCCTGAAGAGCCCCCAACAATG-3'